The following is an entry in ClinVar:

NM_006231.4(POLE):c.2344G>T (p.Ala782Ser)

Gene: POLE (DNA polymerase epsilon, catalytic subunit; minus strand). Cytogenetic location: 12q24.33.
Variant type: single nucleotide variant.
Coding change: c.2344G>T on transcript NM_006231.4 (MANE Select); coding-DNA position 2344, G replaced by T.
Protein change: p.Ala782Ser; replaces alanine 782 with serine.
Molecular consequence: missense variant.
Genome position (GRCh38, 1-based): chr12:132,665,426, C>A on the plus strand (G>T on the coding strand, the complement: POLE is on the minus strand). VCF-style: chr12-132665426-C-A. GRCh37 (hg19) VCF-style: chr12-133242012-C-A.
Other names: short protein forms A782S.
Identifiers: ClinVar variation 3308330 (VCV003308330.3).

ClinVar aggregate classification (germline): Uncertain significance. Review status: criteria provided, multiple submitters, no conflicts (2 of 4 stars). 2 submissions from 2 submitters: Uncertain significance (2). Last evaluated 2025-06-03.

Conditions:
Hereditary cancer-predisposing syndrome. Also called: Tumor predisposition; Hereditary Cancer Syndrome; Hereditary neoplastic syndrome; Neoplastic Syndromes, Hereditary. Identifiers: Orphanet 140162, MedGen C0027672, MeSH D009386, MONDO:0015356.

Submissions (2):

Labcorp Genetics (formerly Invitae), Labcorp
Classification: Uncertain significance. Last evaluated: 2025-06-03. Review status: criteria provided, single submitter. Criteria: Invitae Variant Classification Sherloc (09022015). Collection method: clinical testing. Allele origin: germline.
Comment: This sequence change replaces alanine, which is neutral and non-polar, with serine, which is neutral and polar, at codon 782 of the POLE protein (p.Ala782Ser). This variant is not present in population databases (gnomAD no frequency). This variant has not been reported in the literature in individuals affected with POLE-related conditions. ClinVar contains an entry for this variant (Variation ID: 3308330). Invitae Evidence Modeling of protein sequence and biophysical properties (such as structural, functional, and spatial information, amino acid conservation, physicochemical variation, residue mobility, and thermodynamic stability) indicates that this missense variant is expected to disrupt POLE protein function with a positive predictive value of 80%. In summary, the available evidence is currently insufficient to determine the role of this variant in disease. Therefore, it has been classified as a Variant of Uncertain Significance.

Ambry Genetics
Classification: Uncertain significance for Hereditary cancer-predisposing syndrome. Last evaluated: 2024-06-08. Review status: criteria provided, single submitter. Criteria: Ambry Variant Classification Scheme 2023. Collection method: clinical testing. Allele origin: germline.
Comment: The p.A782S variant (also known as c.2344G>T), located in coding exon 21 of the POLE gene, results from a G to T substitution at nucleotide position 2344. The alanine at codon 782 is replaced by serine, an amino acid with similar properties. This amino acid position is conserved. In addition, this alteration is predicted to be tolerated by in silico analysis. Based on the available evidence, the clinical significance of this variant remains unclear.